The following is an entry in ClinVar:

NM_020806.5(GPHN):c.212T>A (p.Ile71Lys)

Gene: GPHN (gephyrin; plus strand). Cytogenetic location: 14q23.3.
Variant type: single nucleotide variant.
Coding change: c.212T>A on transcript NM_020806.5 (MANE Select); coding-DNA position 212, T replaced by A.
Protein change: p.Ile71Lys; replaces isoleucine 71 with lysine.
Molecular consequence: missense variant.
Genome position (GRCh38, 1-based): chr14:66,824,484, T>A. VCF-style: chr14-66824484-T-A. GRCh37 (hg19) VCF-style: chr14-67291202-T-A.
Other names: c.212T>A, p.Ile71Lys (NM_001024218.2, NM_001377514.1, NM_001377515.1 and 4 more transcripts); short protein forms I71K.
Identifiers: ClinVar variation 1052442 (VCV001052442.9), dbSNP rs2153492960, ClinGen allele CA390255339.

ClinVar aggregate classification (germline): Uncertain significance (1 of 4 stars; one submission).

Conditions:
Sulfite oxidase deficiency due to molybdenum cofactor deficiency type C. Also called: Molybdenum cofactor deficiency, complementation group C; Molybdenum cofactor deficiency C. Identifiers: Orphanet 308400, Orphanet 833, MedGen C1854990, MONDO:0014212, OMIM 615501.

Submission:

Labcorp Genetics (formerly Invitae), Labcorp
Classification: Uncertain significance for Sulfite oxidase deficiency due to molybdenum cofactor deficiency type C. Last evaluated: 2022-06-20. Review status: criteria provided, single submitter. Criteria: Invitae Variant Classification Sherloc (09022015). Collection method: clinical testing. Allele origin: germline.
Comment: This variant is not present in population databases (gnomAD no frequency). In summary, the available evidence is currently insufficient to determine the role of this variant in disease. Therefore, it has been classified as a Variant of Uncertain Significance. Algorithms developed to predict the effect of missense changes on protein structure and function (SIFT, PolyPhen-2, Align-GVGD) all suggest that this variant is likely to be tolerated. ClinVar contains an entry for this variant (Variation ID: 1052442). This variant has not been reported in the literature in individuals affected with GPHN-related conditions. This sequence change replaces isoleucine, which is neutral and non-polar, with lysine, which is basic and polar, at codon 71 of the GPHN protein (p.Ile71Lys).